The following is an entry in ClinVar:

ClinVar aggregate classification (germline): Uncertain significance. Review status: criteria provided, multiple submitters, no conflicts (2 of 4 stars). 3 submissions from 3 submitters: Uncertain significance (3). Last evaluated 2025-03-31.

Conditions:
Familial hypocalciuric hypercalcemia 1. Also called: Hypercalcemia, familial benign type 1. Identifiers: Orphanet 405, Orphanet 93372, MedGen C0342637, MONDO:0007791, OMIM 145980.
Autosomal dominant hypocalcemia 1 (HYPOC1). Also called: HYPOCALCEMIA, FAMILIAL. Identifiers: MedGen C3715128, MONDO:0011013, OMIM 601198.
Neonatal severe primary hyperparathyroidism. Identifiers: Orphanet 417, MedGen C1832615, MONDO:0009397, OMIM 239200.
Epilepsy, idiopathic generalized, susceptibility to, 8. Identifiers: MedGen C2752062, MONDO:0013032, OMIM 612899.
Familial hypocalciuric hypercalcemia (FHH). Also called: Familial benign hypercalcemia. Identifiers: Orphanet 405, MedGen C1809471, MONDO:0018458.

Submissions (3):

GeneDx
Classification: Uncertain significance. Last evaluated: 2025-03-31. Review status: criteria provided, single submitter. Criteria: GeneDx Variant Classification Process June 2021. Collection method: clinical testing. Allele origin: germline. Affected: yes.
Comment: Not observed at significant frequency in large population cohorts (gnomAD); In silico analysis indicates that this missense variant does not alter protein structure/function; Has not been previously published as pathogenic or benign to our knowledge

Fulgent Genetics
Classification: Uncertain significance for Familial hypocalciuric hypercalcemia 1; Neonatal severe primary hyperparathyroidism; Autosomal dominant hypocalcemia 1; Epilepsy, idiopathic generalized, susceptibility to, 8. Last evaluated: 2024-04-10. Review status: criteria provided, single submitter. Criteria: ACMG Guidelines, 2015. Collection method: clinical testing. Allele origin: germline.

Labcorp Genetics (formerly Invitae), Labcorp
Classification: Uncertain significance for Familial hypocalciuric hypercalcemia; Autosomal dominant hypocalcemia 1. Last evaluated: 2020-08-27. Review status: criteria provided, single submitter. Criteria: Invitae Variant Classification Sherloc (09022015). Collection method: clinical testing. Allele origin: germline.
Comment: In summary, the available evidence is currently insufficient to determine the role of this variant in disease. Therefore, it has been classified as a Variant of Uncertain Significance. Algorithms developed to predict the effect of sequence changes on RNA splicing suggest that this variant may create or strengthen a splice site, but this prediction has not been confirmed by published transcriptional studies. Algorithms developed to predict the effect of missense changes on protein structure and function (SIFT, PolyPhen-2, Align-GVGD) all suggest that this variant is likely to be disruptive, but these predictions have not been confirmed by published functional studies and their clinical significance is uncertain. This variant has not been reported in the literature in individuals with CASR-related conditions. This variant is not present in population databases (ExAC no frequency). This sequence change replaces glycine with arginine at codon 43 of the CASR protein (p.Gly43Arg). The glycine residue is highly conserved and there is a moderate physicochemical difference between glycine and arginine.

NM_000388.4(CASR):c.127G>A (p.Gly43Arg)

Gene: CASR (calcium sensing receptor; plus strand). Cytogenetic location: 3q21.1.
Variant type: single nucleotide variant.
Coding change: c.127G>A on transcript NM_000388.4 (MANE Select); coding-DNA position 127, G replaced by A.
Protein change: p.Gly43Arg; replaces glycine 43 with arginine.
Molecular consequence: missense variant.
Genome position (GRCh38, 1-based): chr3:122,254,316, G>A. VCF-style: chr3-122254316-G-A. GRCh37 (hg19) VCF-style: chr3-121973163-G-A.
Other names: c.127G>A (NM_000388.3); c.127G>A, p.Gly43Arg (NM_001178065.2); short protein forms G43R.
Identifiers: ClinVar variation 1019683 (VCV001019683.11), dbSNP rs866899753, ClinGen allele CA82607569.
Genomic context (GRCh38, chr3:122,254,316, plus strand): 5'-GACCAGCGAGCCCAAAAGAAGGGGGACATTATCCTTGGGGGGCTCTTTCCTATTCATTTT[G>A]GAGTAGCAGCTAAAGATCAAGATCTCAAATCAAGGCCGGAGTCTGTGGAATGTATCAGGT-3'
Protein context (NP_000379.3, residues 33-53): ILGGLFPIHF[Gly43Arg]VAAKDQDLKS